The following is an entry in ClinVar:

ClinVar aggregate classification (germline): Uncertain significance (1 of 4 stars; one submission).

Submission:

Laboratory for Molecular Medicine, Mass General Brigham Personalized Medicine
Classification: Uncertain significance. Last evaluated: 2012-07-31. Review status: criteria provided, single submitter. Criteria: LMM Criteria. Collection method: clinical testing. Allele origin: germline. Observed: 2 variant alleles.
Comment: The Leu370Phe SPRED1 variant has not previously been identified in our laborator y, or in the literature. Computational analyses (biochemical amino acid properti es, conservation, AlignGVGD, PolyPhen2, and SIFT) do not provide strong support for or against an impact to the protein. In summary, additional information is n eeded to fully assess the clinical significance of the Leu370Phe SPRED1 variant.

NM_152594.3(SPRED1):c.1108C>T (p.Leu370Phe)

Gene: SPRED1 (sprouty related EVH1 domain containing 1; plus strand). Cytogenetic location: 15q14.
Variant type: single nucleotide variant.
Coding change: c.1108C>T on transcript NM_152594.3 (MANE Select); coding-DNA position 1108, C replaced by T.
Protein change: p.Leu370Phe; replaces leucine 370 with phenylalanine.
Molecular consequence: missense variant.
Genome position (GRCh38, 1-based): chr15:38,351,437, C>T. VCF-style: chr15-38351437-C-T. GRCh37 (hg19) VCF-style: chr15-38643638-C-T.
Other names: short protein forms L370F.
Identifiers: ClinVar variation 47964 (VCV000047964.5), dbSNP rs397517870, ClinGen allele CA142268.
Genomic context (GRCh38, chr15:38,351,437, plus strand): 5'-GGAAAATGTCAGGATGCTCCAGACCCTATTAAAAGATGCATATATCAAGTTAGTTGCATG[C>T]TCTGTGCAGAGAGCATGTTGTATCATTGTATGTCAGACTCAGAGGGAGATTTTTCTGATC-3'
Protein context (NP_689807.1, residues 360-380): KRCIYQVSCM[Leu370Phe]CAESMLYHCM